The following is an entry in ClinVar:

NM_015719.4(COL5A3):c.4242G>A (p.Pro1414=)

Gene: COL5A3 (collagen type V alpha 3 chain; minus strand). Cytogenetic location: 19p13.2.
Variant type: single nucleotide variant.
Coding change: c.4242G>A on transcript NM_015719.4 (MANE Select); coding-DNA position 4242, G replaced by A.
Protein change: p.Pro1414=; no amino-acid change (proline 1414 retained).
Molecular consequence: synonymous variant.
Genome position (GRCh38, 1-based): chr19:9,968,457, C>T on the plus strand (G>A on the coding strand, the complement: COL5A3 is on the minus strand). VCF-style: chr19-9968457-C-T. GRCh37 (hg19) VCF-style: chr19-10079133-C-T.
Identifiers: ClinVar variation 3388345 (VCV003388345.14).

ClinVar aggregate classification (germline): Likely benign (1 of 4 stars; one submission).

gnomAD v4.1: 97 of 1,588,068 alleles (0.0061%); highest among the groups gnomAD compares: Middle Eastern, 0.034%; no homozygotes.

Submission:

CeGaT Center for Human Genetics Tuebingen
Classification: Likely benign. Last evaluated: 2024-10-01. Review status: criteria provided, single submitter. Criteria: CeGaT Center For Human Genetics Tuebingen Variant Classification Criteria Version 2. Collection method: clinical testing. Allele origin: germline. Affected: yes. Observed: 1 variant allele.
Comment: COL5A3: BP7